The following is an entry in ClinVar:

ClinVar aggregate classification (germline): Uncertain significance. Review status: criteria provided, multiple submitters, no conflicts (2 of 4 stars). 2 submissions from 2 submitters: Uncertain significance (2). Last evaluated 2025-11-18.

Conditions:
Inborn genetic diseases. Identifiers: MedGen C0950123, MeSH D030342.

Allele frequency attached by ClinVar (database versions not stated): TOPMed below 0.00001.
gnomAD v4.1: 1 of 1,612,530 alleles (0.000062%); highest among the groups gnomAD compares: Admixed American, 0.0017%; no homozygotes.

Submissions (2):

Labcorp Genetics (formerly Invitae), Labcorp
Classification: Uncertain significance. Last evaluated: 2025-11-18. Review status: criteria provided, single submitter. Criteria: Invitae Variant Classification Sherloc (09022015). Collection method: clinical testing. Allele origin: germline.
Comment: This sequence change replaces valine, which is neutral and non-polar, with isoleucine, which is neutral and non-polar, at codon 719 of the JAK2 protein (p.Val719Ile). This variant is present in population databases (no rsID available, gnomAD 0.003%). This variant has not been reported in the literature in individuals affected with JAK2-related conditions. ClinVar contains an entry for this variant (Variation ID: 2310266). Invitae Evidence Modeling of protein sequence and biophysical properties (such as structural, functional, and spatial information, amino acid conservation, physicochemical variation, residue mobility, and thermodynamic stability) indicates that this missense variant is not expected to disrupt JAK2 protein function with a negative predictive value of 80%. In summary, the available evidence is currently insufficient to determine the role of this variant in disease. Therefore, it has been classified as a Variant of Uncertain Significance.

Ambry Genetics
Classification: Uncertain significance for Inborn genetic diseases. Last evaluated: 2022-09-06. Review status: criteria provided, single submitter. Criteria: Ambry Variant Classification Scheme 2023. Collection method: clinical testing. Allele origin: germline.

NM_004972.4(JAK2):c.2155G>A (p.Val719Ile)

Genes: INSL6 (insulin like 6; minus strand), JAK2 (Janus kinase 2; plus strand). Cytogenetic location: 9p24.1.
Variant type: single nucleotide variant.
Coding change: c.2155G>A on transcript NM_004972.4 (MANE Select); coding-DNA position 2155, G replaced by A.
Protein change: p.Val719Ile; replaces valine 719 with isoleucine.
Molecular consequence: missense variant. On other transcripts: non-coding transcript variant (2).
Genome position (GRCh38, 1-based): chr9:5,080,252, G>A. VCF-style: chr9-5080252-G-A. GRCh37 (hg19) VCF-style: chr9-5080252-G-A.
Other names: c.2155G>A, p.Val719Ile (NM_001322194.2, NM_001322195.2, NM_001322196.2); c.940G>A, p.Val314Ile (NM_001322198.2, NM_001322199.2); c.1708G>A, p.Val570Ile (NM_001322204.2); short protein forms V314I, V570I, V719I.
Identifiers: ClinVar variation 2310266 (VCV002310266.5), dbSNP rs765685138, ClinGen allele CA372827587.